The following is an entry in ClinVar:

NM_003060.4(SLC22A5):c.325G>C (p.Glu109Gln)

Gene: SLC22A5 (solute carrier family 22 member 5; plus strand). Cytogenetic location: 5q31.1.
Variant type: single nucleotide variant.
Coding change: c.325G>C on transcript NM_003060.4 (MANE Select); coding-DNA position 325, G replaced by C.
Protein change: p.Glu109Gln; replaces glutamic acid 109 with glutamine.
Molecular consequence: missense variant.
Genome position (GRCh38, 1-based): chr5:132,370,297, G>C. VCF-style: chr5-132370297-G-C. GRCh37 (hg19) VCF-style: chr5-131705989-G-C.
Other names: p.Glu109Gln; c.325G>C, p.Glu109Gln (NM_001308122.2); short protein forms E109Q.
Identifiers: ClinVar variation 1039890 (VCV001039890.8), dbSNP rs1254200528, ClinGen allele CA360802814.

ClinVar aggregate classification (germline): Uncertain significance. Review status: criteria provided, multiple submitters, no conflicts (2 of 4 stars). 3 submissions from 3 submitters: Uncertain significance (2). 1 of the submissions does not count toward it. Last evaluated 2022-10-03.

Conditions:
Decreased circulating carnitine concentration. Also called: Decreased plasma carnitine. Identifiers: MedGen C5848230, HP:0003234.
Renal carnitine transport defect (CDSP). Also called: Systemic primary carnitine deficiency disease; CARNITINE DEFICIENCY, SYSTEMIC, DUE TO DEFECT IN RENAL REABSORPTION OF CARNITINE; CARNITINE TRANSPORTER, PLASMA-MEMBRANE, DEFICIENCY OF; CARNITINE UPTAKE DEFECT; Carnitine transporter deficiency; Carnitine Deficiency, Systemic. Identifiers: Orphanet 158, MedGen C0342788, MONDO:0008919, OMIM 212140.

Allele frequency attached by ClinVar (database versions not stated): gnomAD exomes below 0.00001.
gnomAD v4.1: 2 of 1,610,054 alleles (0.00012%); highest among the groups gnomAD compares: South Asian, 0.0022%; no homozygotes.

Submissions (3):

Giacomini Lab, University of California, San Francisco
Classification: Uncertain significance for Renal carnitine transport defect. Last evaluated: 2022-10-03. Review status: criteria provided, single submitter. Criteria: ACMG Guidelines, 2015. Collection method: research, in vitro. Allele origin: germline, not applicable.

Labcorp Genetics (formerly Invitae), Labcorp
Classification: Uncertain significance for Renal carnitine transport defect. Last evaluated: 2022-01-15. Review status: criteria provided, single submitter. Criteria: Invitae Variant Classification Sherloc (09022015). Collection method: clinical testing. Allele origin: germline.
Comment: This sequence change replaces glutamic acid, which is acidic and polar, with glutamine, which is neutral and polar, at codon 109 of the SLC22A5 protein (p.Glu109Gln). The frequency data for this variant in the population databases is considered unreliable, as metrics indicate poor data quality at this position in the gnomAD database. This variant has not been reported in the literature in individuals affected with SLC22A5-related conditions. ClinVar contains an entry for this variant (Variation ID: 1039890). Algorithms developed to predict the effect of missense changes on protein structure and function are either unavailable or do not agree on the potential impact of this missense change (SIFT: "Tolerated"; PolyPhen-2: "Possibly Damaging"; Align-GVGD: "Class C0"). In summary, the available evidence is currently insufficient to determine the role of this variant in disease. Therefore, it has been classified as a Variant of Uncertain Significance.

Natera, Inc.
Classification: Uncertain significance for Carnitine deficiency. Last evaluated: 2020-03-16. Review status: no assertion criteria provided. Collection method: clinical testing. Allele origin: germline. Not counted in ClinVar's aggregate classification.